The following is an entry in ClinVar:

NM_001365480.1(CCDC88A):c.4568G>A (p.Arg1523Lys)

Gene: CCDC88A (coiled-coil domain containing 88A; minus strand). Cytogenetic location: 2p16.1.
Variant type: single nucleotide variant.
Coding change: c.4568G>A on transcript NM_001365480.1 (MANE Select); coding-DNA position 4568, G replaced by A.
Protein change: p.Arg1523Lys; replaces arginine 1523 with lysine.
Molecular consequence: missense variant.
Genome position (GRCh38, 1-based): chr2:55,301,976, C>T on the plus strand (G>A on the coding strand, the complement: CCDC88A is on the minus strand). VCF-style: chr2-55301976-C-T. GRCh37 (hg19) VCF-style: chr2-55529112-C-T.
Other names: c.4565G>A, p.Arg1522Lys (NM_001135597.2, NM_001254943.2); c.4484G>A, p.Arg1495Lys (NM_018084.5); c.4565G>A (NM_001135597.1); short protein forms R1523K, R1495K, R1522K.
Identifiers: ClinVar variation 1485055 (VCV001485055.5), dbSNP rs562047870, ClinGen allele CA1665554.
Genomic context (GRCh38, chr2:55,301,976, plus strand): 5'-TTGACAGTTGAAAAGTTGATGGCTGTAGTAGAGAAGGCCATAGCTCCCAATTCTTTTCTC[C>T]TTTTACCCGTTGAAATATCATCAGGAACCTCCAAATTCTCAGTACTACCTGTCCACTGTC-3'
Protein context (NP_001352409.1, residues 1513-1533): EVPDDISTGK[Arg1523Lys]RKELGAMAFS

ClinVar aggregate classification (germline): Uncertain significance. Review status: criteria provided, multiple submitters, no conflicts (2 of 4 stars). 2 submissions from 2 submitters: Uncertain significance (2). Last evaluated 2022-08-26.

Allele frequency attached by ClinVar (database versions not stated): gnomAD exomes below 0.00001; ExAC 0.00001; gnomAD 0.00001; 1000 Genomes Project 30x 0.00016; 1000 Genomes Project 0.00020.
gnomAD v4.1: 4 of 1,614,072 alleles (0.00025%); highest among the groups gnomAD compares: Admixed American, 0.0067%; no homozygotes.

Submissions (2):

Ambry Genetics
Classification: Uncertain significance. Last evaluated: 2022-08-26. Review status: criteria provided, single submitter. Criteria: Ambry Variant Classification Scheme 2023. Collection method: clinical testing. Allele origin: germline.

Labcorp Genetics (formerly Invitae), Labcorp
Classification: Uncertain significance. Last evaluated: 2022-02-08. Review status: criteria provided, single submitter. Criteria: Invitae Variant Classification Sherloc (09022015). Collection method: clinical testing. Allele origin: germline.
Comment: Algorithms developed to predict the effect of missense changes on protein structure and function are either unavailable or do not agree on the potential impact of this missense change (SIFT: "Deleterious"; PolyPhen-2: "Benign"; Align-GVGD: "Class C0"). This variant has not been reported in the literature in individuals affected with CCDC88A-related conditions. This variant is present in population databases (rs562047870, gnomAD 0.003%). This sequence change replaces arginine, which is basic and polar, with lysine, which is basic and polar, at codon 1522 of the CCDC88A protein (p.Arg1522Lys). In summary, the available evidence is currently insufficient to determine the role of this variant in disease. Therefore, it has been classified as a Variant of Uncertain Significance.